The following is an entry in ClinVar:

NM_001354712.2(THRB):c.284-12625C>G

Genes: THRB (thyroid hormone receptor beta; minus strand), THRB-AS2 (THRB antisense RNA 2; plus strand). Cytogenetic location: 3p24.2.
Variant type: single nucleotide variant.
Coding change: c.284-12625C>G on transcript NM_001354712.2 (MANE Select); 12625 bases into the intron before coding-DNA position 284, C replaced by G.
Molecular consequence: intron variant.
Genome position (GRCh38, 1-based): chr3:24,165,115, G>C on the plus strand (C>G on the coding strand, the complement: THRB is on the minus strand). VCF-style: chr3-24165115-G-C. GRCh37 (hg19) VCF-style: chr3-24206606-G-C.
Other names: c.284-12625C>G (NM_001354709.2, NM_001354713.2, NM_001128176.3 and 12 more transcripts); c.191-12625C>G (NM_001354715.2, NM_001354714.2).
Identifiers: ClinVar variation 2653628 (VCV002653628.24), dbSNP rs73035997, ClinGen allele CA2287320.
Genomic context (GRCh38, chr3:24,165,115, plus strand): 5'-CACTTGAGAAAAAGTAGGCTTTTCTTCAGTGAAATATTCAGGTTGGCTGTATTGATTCAG[G>C]GCCATGTCCAAGTCAGAGTCCTTGCTTTTAAACATGTTTCCAGGGTAACTACAGGTATAA-3'

ClinVar aggregate classification (germline): Likely benign (1 of 4 stars; one submission).

Allele frequency attached by ClinVar (database versions not stated): 1000 Genomes Project 30x 0.00125; 1000 Genomes Project 0.00140; TOPMed 0.00291; ExAC 0.00487; gnomAD exomes 0.00504; gnomAD 0.00508; ESP Exome Variant Server 0.00558.
gnomAD v4.1: 3,900 of 764,988 alleles (0.51%); highest among the groups gnomAD compares: Non-Finnish European, 0.56%; 40 homozygotes.

Submission:

CeGaT Center for Human Genetics Tuebingen
Classification: Likely benign. Last evaluated: 2023-01-01. Review status: criteria provided, single submitter. Criteria: CeGaT Center For Human Genetics Tuebingen Variant Classification Criteria Version 2. Collection method: clinical testing. Allele origin: germline. Affected: yes. Observed: 1 variant allele.
Comment: THRB: BS2